The following is an entry in ClinVar:

ClinVar aggregate classification (germline): Likely benign (1 of 4 stars; one submission).

Submission:

CeGaT Center for Human Genetics Tuebingen
Classification: Likely benign. Last evaluated: 2026-06-01. Review status: criteria provided, single submitter. Criteria: CeGaT Center For Human Genetics Tuebingen Variant Classification Criteria Version 2. Collection method: clinical testing. Allele origin: germline. Affected: yes. Observed: 2 variant alleles.
Comment: CLIC6: BP4, BP7

NM_053277.3(CLIC6):c.789G>A (p.Gly263=)

Gene: CLIC6 (CLIC family member 6; plus strand). Cytogenetic location: 21q22.12.
Variant type: single nucleotide variant.
Coding change: c.789G>A on transcript NM_053277.3 (MANE Select); coding-DNA position 789, G replaced by A.
Protein change: p.Gly263=; no amino-acid change (glycine 263 retained).
Molecular consequence: synonymous variant.
Genome position (GRCh38, 1-based): chr21:34,670,177, G>A. VCF-style: chr21-34670177-G-A. GRCh37 (hg19) VCF-style: chr21-36042476-G-A.
Other names: c.789G>A, p.Gly263= (NM_001317009.2).
Identifiers: ClinVar variation 4533612 (VCV004533612.6).